The following is an entry in ClinVar:

ClinVar aggregate classification (germline): Uncertain significance (1 of 4 stars; one submission).

Allele frequency attached by ClinVar (database versions not stated): gnomAD exomes 0.00001 and 0.00004; gnomAD 0.00004; TOPMed 0.00004; ExAC 0.00006.
gnomAD v4.1: 24 of 1,613,858 alleles (0.0015%); highest among the groups gnomAD compares: Non-Finnish European, 0.0019%; no homozygotes.

Submission:

Labcorp Genetics (formerly Invitae), Labcorp
Classification: Uncertain significance. Last evaluated: 2022-01-23. Review status: criteria provided, single submitter. Criteria: Invitae Variant Classification Sherloc (09022015). Collection method: clinical testing. Allele origin: germline.
Comment: This sequence change replaces valine, which is neutral and non-polar, with alanine, which is neutral and non-polar, at codon 2254 of the CEP250 protein (p.Val2254Ala). This variant is present in population databases (rs774223309, gnomAD 0.009%). This variant has not been reported in the literature in individuals affected with CEP250-related conditions. Algorithms developed to predict the effect of missense changes on protein structure and function output the following: SIFT: "Not Available"; PolyPhen-2: "Benign"; Align-GVGD: "Not Available". The alanine amino acid residue is found in multiple mammalian species, which suggests that this missense change does not adversely affect protein function. In summary, the available evidence is currently insufficient to determine the role of this variant in disease. Therefore, it has been classified as a Variant of Uncertain Significance.

NM_007186.6(CEP250):c.6761T>C (p.Val2254Ala)

Gene: CEP250 (centrosomal protein 250; plus strand). Cytogenetic location: 20q11.22.
Variant type: single nucleotide variant.
Coding change: c.6761T>C on transcript NM_007186.6 (MANE Select); coding-DNA position 6761, T replaced by C.
Protein change: p.Val2254Ala; replaces valine 2254 with alanine.
Molecular consequence: missense variant.
Genome position (GRCh38, 1-based): chr20:35,508,045, T>C. VCF-style: chr20-35508045-T-C. GRCh37 (hg19) VCF-style: chr20-34095874-T-C.
Other names: c.4865T>C, p.Val1622Ala (NM_001318219.1); short protein forms V2254A, V1622A.
Identifiers: ClinVar variation 1472861 (VCV001472861.3), dbSNP rs774223309, ClinGen allele CA9834152.